The following is an entry in ClinVar:

ClinVar aggregate classification (germline): Uncertain significance (1 of 4 stars; one submission).

Submission:

Labcorp Genetics (formerly Invitae), Labcorp
Classification: Uncertain significance. Last evaluated: 2021-11-14. Review status: criteria provided, single submitter. Criteria: Invitae Variant Classification Sherloc (09022015). Collection method: clinical testing. Allele origin: germline.
Comment: In summary, the available evidence is currently insufficient to determine the role of this variant in disease. Therefore, it has been classified as a Variant of Uncertain Significance. Algorithms developed to predict the effect of sequence changes on RNA splicing suggest that this variant may create or strengthen a splice site. This variant has not been reported in the literature in individuals affected with LRP5-related conditions. This variant is not present in population databases (gnomAD no frequency). This sequence change falls in intron 5 of the LRP5 gene. It does not directly change the encoded amino acid sequence of the LRP5 protein.

NM_002335.4(LRP5):c.1016-11T>A

Gene: LRP5 (LDL receptor related protein 5; plus strand). Cytogenetic location: 11q13.2.
Variant type: single nucleotide variant.
Coding change: c.1016-11T>A on transcript NM_002335.4 (MANE Select); 11 bases into the intron before coding-DNA position 1016, T replaced by A.
Molecular consequence: intron variant.
Genome position (GRCh38, 1-based): chr11:68,386,305, T>A. VCF-style: chr11-68386305-T-A. GRCh37 (hg19) VCF-style: chr11-68153773-T-A.
Other names: c.-750-11T>A (NM_001291902.2).
Identifiers: ClinVar variation 1351516 (VCV001351516.6), dbSNP rs1424065999, ClinGen allele CA2573147525.